The following is an entry in ClinVar:

ClinVar aggregate classification (germline): Conflicting classifications of pathogenicity. Review status: criteria provided, conflicting classifications (1 of 4 stars). 2 submissions from 2 submitters: Uncertain significance (1); Likely benign (1). Last evaluated 2026-01-27.

Conditions:
Primary ciliary dyskinesia. Also called: Ciliary dyskinesia. Identifiers: Orphanet 244, MedGen C0008780, MONDO:0016575, HP:0012265.

Allele frequency attached by ClinVar (database versions not stated): TOPMed below 0.00001.
gnomAD v4.1: 5 of 1,614,164 alleles (0.00031%); highest among the groups gnomAD compares: Admixed American, 0.0083%; no homozygotes.

Submissions (2):

Labcorp Genetics (formerly Invitae), Labcorp
Classification: Likely benign for Primary ciliary dyskinesia. Last evaluated: 2026-01-27. Review status: criteria provided, single submitter. Criteria: Invitae Variant Classification Sherloc (09022015). Collection method: clinical testing. Allele origin: germline.

Ambry Genetics
Classification: Uncertain significance for Primary ciliary dyskinesia. Last evaluated: 2024-02-22. Review status: criteria provided, single submitter. Criteria: Ambry Variant Classification Scheme 2023. Collection method: clinical testing. Allele origin: germline.
Comment: The p.Q3455E variant (also known as c.10363C>G), located in coding exon 61 of the DNAH5 gene, results from a C to G substitution at nucleotide position 10363. The glutamine at codon 3455 is replaced by glutamic acid, an amino acid with highly similar properties. This amino acid position is conserved. In addition, this alteration is predicted to be tolerated by in silico analysis. Based on the available evidence, the clinical significance of this alteration remains unclear.

NM_001369.3(DNAH5):c.10363C>G (p.Gln3455Glu)

Gene: DNAH5 (dynein axonemal heavy chain 5; minus strand). Cytogenetic location: 5p15.2.
Variant type: single nucleotide variant.
Coding change: c.10363C>G on transcript NM_001369.3 (MANE Select); coding-DNA position 10363, C replaced by G.
Protein change: p.Gln3455Glu; replaces glutamine 3455 with glutamic acid.
Molecular consequence: missense variant.
Genome position (GRCh38, 1-based): chr5:13,758,902, G>C on the plus strand (C>G on the coding strand, the complement: DNAH5 is on the minus strand). VCF-style: chr5-13758902-G-C. GRCh37 (hg19) VCF-style: chr5-13759011-G-C.
Other names: c.10363C>G (NM_001369.2); short protein forms Q3455E.
Identifiers: ClinVar variation 2897094 (VCV002897094.4), dbSNP rs1433859526, ClinGen allele CA359195529.
Genomic context (GRCh38, chr5:13,758,902, plus strand): 5'-TTACCTGCTTTTCAGTCATGGCCTGTTCATACTCAGCCTGCACCACGTCAAGTTCCGCCT[G>C]CTTGTCATCCAACTCGGCCTGGGCTTTCTGCAGATCCTGCATGGCCAGGAGATGGCGATT-3'
Protein context (NP_001360.1, residues 3445-3465): QKAQAELDDK[Gln3455Glu]AELDVVQAEY